The following is an entry in ClinVar:

NM_000277.3(PAH):c.470G>C (p.Arg157Thr)

Gene: PAH (phenylalanine hydroxylase; minus strand). Cytogenetic location: 12q23.2.
Variant type: single nucleotide variant.
Coding change: c.470G>C on transcript NM_000277.3 (MANE Select); coding-DNA position 470, G replaced by C.
Protein change: p.Arg157Thr; replaces arginine 157 with threonine.
Molecular consequence: missense variant.
Genome position (GRCh38, 1-based): chr12:102,866,635, C>G on the plus strand (G>C on the coding strand, the complement: PAH is on the minus strand). VCF-style: chr12-102866635-C-G. GRCh37 (hg19) VCF-style: chr12-103260413-C-G.
Other names: NM_001354304.1:c.470G>C; c.470G>C, p.Arg157Thr (NM_001354304.2); short protein forms R157T.
Identifiers: ClinVar variation 619162 (VCV000619162.2), dbSNP rs199475611, ClinGen allele CA16020797.

ClinVar aggregate classification (germline): Uncertain significance (3 of 4 stars; one submission).

Conditions:
Phenylketonuria (PKU). Also called: OLIGOPHRENIA PHENYLPYRUVICA; Phenylketonurias; FOLLING DISEASE; Phenylketonuria (PKU). Identifiers: Orphanet 716, MedGen C0031485, MONDO:0009861, OMIM 261600. Disease mechanism: loss of function.

Submission:

ClinGen PAH Variant Curation Expert Panel
Classification: Uncertain significance for Phenylketonuria. Last evaluated: 2021-02-14. Review status: reviewed by expert panel. Criteria: ClinGen PAH ACMG Specifications v1. Collection method: curation. Allele origin: germline. Inheritance: Autosomal recessive inheritance.
Comment: The c.470G>C (p.Arg157Thr) variant in PAH has not been reported in an affected patient to our knowledge. The reference in BioPKU (Carter KC, 1998) does not include this variant. The p.R157T mutant is listed as having 5% of wt PAH activity in vitro (BioPKU), but this likely corresponds to the p.R157N variant (PMID: 9450897). The p.Arg157Asn variant at the same amino acid is interpreted as pathogenic in ClinVar (VarID 590772). p.Arg157Thr is absent from ExAC, gnomAD, 1000G, and ESP. It is predicted deleterious in SIFT, Polyphen-2, MutationTaster, and REVEL=0.95. In summary, this variant meets criteria to be classified as uncertain significance for PAH. PAH-specific ACMG/AMP criteria applied: PM2, PM5, PP3.